The following is an entry in ClinVar:

NM_000372.5(TYR):c.1037-8dup

Gene: TYR (tyrosinase; plus strand). Cytogenetic location: 11q14.3.
Variant type: Duplication.
Coding change: c.1037-8dup on transcript NM_000372.5 (MANE Select); 8 bases into the intron before coding-DNA position 1037, one base duplicated (A; older notation c.1037-8dupA).
Molecular consequence: intron variant.
Genome position (GRCh38, 1-based): chr11:89,227,815, A duplicated; the last of 2 consecutive A bases (chr11:89,227,814-89,227,815); duplicating either gives the same sequence. VCF-style (leftmost placement, unchanged base first): chr11-89227813-T-TA. GRCh37 (hg19) VCF-style: chr11-88960981-T-TA.
Identifiers: ClinVar variation 3647605 (VCV003647605.3).

ClinVar aggregate classification (germline): Conflicting classifications of pathogenicity. Review status: criteria provided, conflicting classifications (1 of 4 stars). 2 submissions from 2 submitters: Uncertain significance (1); Likely benign (1). Last evaluated 2026-02-13.

Conditions:
Oculocutaneous albinism type 1. Also called: Albinism 1; ALBINISM I. Identifiers: Orphanet 352731, MedGen C0268494, MONDO:0018135. Disease mechanism: loss of function.

Submissions (2):

Myriad Genetics, Inc.
Classification: Uncertain significance for Oculocutaneous albinism type 1. Last evaluated: 2026-02-13. Review status: criteria provided, single submitter. Criteria: Myriad Autosomal Dominant, Autosomal Recessive and X-Linked Classification Criteria (2023). Collection method: clinical testing. Allele origin: unknown.
Comment: NM_000372.4(TYR):c.1037-8dupA is an intronic variant classified as a variant of uncertain significance in the context of oculocutaneous albinism, TYR-related. c.1037-8dupA has not been observed in cases with relevant disease. Relevant functional assessments of this variant are not available in the literature. c.1037-8dupA has been observed in referenced population frequency databases. In summary, there is insufficient evidence to classify NM_000372.4(TYR):c.1037-8dupA as pathogenic or benign. Please note: this variant was assessed in the context of healthy population screening.

Labcorp Genetics (formerly Invitae), Labcorp
Classification: Likely benign. Last evaluated: 2024-03-25. Review status: criteria provided, single submitter. Criteria: Invitae Variant Classification Sherloc (09022015). Collection method: clinical testing. Allele origin: germline.